The following is an entry in ClinVar:

NM_002047.4(GARS1):c.766G>C (p.Asp256His)

Gene: GARS1 (glycyl-tRNA synthetase 1; plus strand). Cytogenetic location: 7p14.3.
Variant type: single nucleotide variant.
Coding change: c.766G>C on transcript NM_002047.4 (MANE Select); coding-DNA position 766, G replaced by C.
Protein change: p.Asp256His; replaces aspartic acid 256 with histidine.
Molecular consequence: missense variant.
Genome position (GRCh38, 1-based): chr7:30,609,615, G>C. VCF-style: chr7-30609615-G-C. GRCh37 (hg19) VCF-style: chr7-30649231-G-C.
Other names: c.766G>C (LRG_243t1, NM_002047.3); c.604G>C, p.Asp202His (NM_001316772.1); short protein forms D256H, D202H.
Identifiers: ClinVar variation 360007 (VCV000360007.22), dbSNP rs201399681, ClinGen allele CA4205821.

ClinVar aggregate classification (germline): Benign/Likely benign. Review status: criteria provided, multiple submitters, no conflicts (2 of 4 stars). 7 submissions from 5 submitters: Benign (2); Likely benign (5). Last evaluated 2026-06-17.

Conditions:
Charcot-Marie-Tooth disease type 2D (CMT2D). Also called: CHARCOT-MARIE-TOOTH DISEASE, NEURONAL, TYPE 2D; Charcot-Marie-Tooth Neuropathy Type 2D; CHARCOT-MARIE-TOOTH DISEASE, AXONAL, TYPE 2D; GARS1 Adolescent- or Early Adult-Onset Hereditary Motor/Sensory Neuropathy (GARS1-HMSN). Identifiers: Orphanet 99938, MedGen C1832274, MONDO:0011091, OMIM 601472.
GARS1-related disorder. Also called: GARS1-related condition.
Neuronopathy, distal hereditary motor, type 5A (HMND5). Also called: DHMN VA; Distal Spinal Muscular Atrophy V; NEURONOPATHY, DISTAL HEREDITARY MOTOR, AUTOSOMAL DOMINANT 5; Distal Spinal Muscular Atrophy V (dSMA-V). Identifiers: Orphanet 139536, MedGen CN031873, MONDO:0015353, OMIM 600794.
Distal spinal muscular atrophy. Also called: Distal hereditary motor neuronopathy; Distal hereditary motor neuropathy. Identifiers: Orphanet 53739, MedGen C0393541, MONDO:0018894.
Charcot-Marie-Tooth disease type 2. Also called: Charcot-Marie-Tooth type 2. Identifiers: Orphanet 64746, MedGen C0270914, MONDO:0018993.

Allele frequency attached by ClinVar (database versions not stated): gnomAD 0.00001 and 0.00003; TOPMed 0.00002; gnomAD exomes 0.00004; ExAC 0.00006; 1000 Genomes Project 30x 0.00016; 1000 Genomes Project 0.00020.
gnomAD v4.1: 62 of 1,613,268 alleles (0.0038%); highest among the groups gnomAD compares: East Asian, 0.1%; no homozygotes.

Submissions (7):

PreventionGenetics, part of Exact Sciences
Classification: Likely benign for GARS1-related condition. Last evaluated: 2026-06-17. Review status: criteria provided, single submitter. Criteria: ACMG Guidelines, 2015. Collection method: clinical testing. Allele origin: germline.
Comment: This variant is classified as likely benign based on ACMG/AMP sequence variant interpretation guidelines (Richards et al. 2015 PMID: 25741868, with internal and published modifications).

Labcorp Genetics (formerly Invitae), Labcorp
Classification: Likely benign for Charcot-Marie-Tooth disease type 2. Last evaluated: 2025-12-18. Review status: criteria provided, single submitter. Criteria: Invitae Variant Classification Sherloc (09022015). Collection method: clinical testing. Allele origin: germline.

Ambry Genetics
Classification: Likely benign. Last evaluated: 2025-08-27. Review status: criteria provided, single submitter. Criteria: Ambry Variant Classification Scheme 2023. Collection method: clinical testing. Allele origin: germline.

ARUP Laboratories, Molecular Genetics and Genomics, ARUP Laboratories
Classification: Likely benign. Last evaluated: 2020-03-05. Review status: criteria provided, single submitter. Criteria: ARUP Molecular Germline Variant Investigation Process. Collection method: clinical testing. Allele origin: germline.

Illumina Laboratory Services, Illumina
Classification: Benign for Distal Spinal Muscular Atrophy. Last evaluated: 2018-01-13. Review status: criteria provided, single submitter. Criteria: ICSL Variant Classification Criteria 13 December 2019. Collection method: clinical testing. Allele origin: germline.
Comment: This variant was observed in the ICSL laboratory as part of a predisposition screen in an ostensibly healthy population. It had not been previously curated by ICSL or reported in the Human Gene Mutation Database (HGMD: prior to June 1st, 2018), and was therefore a candidate for classification through an automated scoring system. Utilizing variant allele frequency, disease prevalence and penetrance estimates, and inheritance mode, an automated score was calculated to assess if this variant is too frequent to cause the disease. Based on the score and internal cut-off values, a variant classified as benign is not then subjected to further curation. The score for this variant resulted in a classification of benign for this disease.

Illumina Laboratory Services, Illumina
Classification: Likely benign for Charcot-Marie-Tooth disease type 2D. Last evaluated: 2018-01-13. Review status: criteria provided, single submitter. Criteria: ICSL Variant Classification Criteria 13 December 2019. Collection method: clinical testing. Allele origin: germline.
Comment: This variant was observed in the ICSL laboratory as part of a predisposition screen in an ostensibly healthy population. It had not been previously curated by ICSL or reported in the Human Gene Mutation Database (HGMD: prior to June 1st, 2018), and was therefore a candidate for classification through an automated scoring system. Utilizing variant allele frequency, disease prevalence and penetrance estimates, and inheritance mode, an automated score was calculated to assess if this variant is too frequent to cause the disease. Based on the score and internal cut-off values, a variant classified as likely benign is not then subjected to further curation. The score for this variant resulted in a classification of likely benign for this disease.

Illumina Laboratory Services, Illumina
Classification: Benign for Distal hereditary motor neuronopathy type 5. Last evaluated: 2018-01-13. Review status: criteria provided, single submitter. Criteria: ICSL Variant Classification Criteria 13 December 2019. Collection method: clinical testing. Allele origin: germline.
Comment: the same text as in the submission from Illumina Laboratory Services, Illumina above.